The following is an entry in ClinVar:

NM_014915.3(ANKRD26):c.4085+6A>G

Gene: ANKRD26 (ankyrin repeat domain 26; minus strand). Cytogenetic location: 10p12.1.
Variant type: single nucleotide variant.
Coding change: c.4085+6A>G on transcript NM_014915.3 (MANE Select); 6 bases into the intron after coding-DNA position 4085, A replaced by G.
Molecular consequence: intron variant.
Genome position (GRCh38, 1-based): chr10:27,024,441, T>C on the plus strand (A>G on the coding strand, the complement: ANKRD26 is on the minus strand). VCF-style: chr10-27024441-T-C. GRCh37 (hg19) VCF-style: chr10-27313370-T-C.
Other names: c.4082+6A>G (NM_001256053.2).
Identifiers: ClinVar variation 2893408 (VCV002893408.3), dbSNP rs1334546891, ClinGen allele CA592375367.
Genomic context (GRCh38, chr10:27,024,441, plus strand): 5'-ACAAAGTAAAATTATATTAAATCAATTAATGAATGGTTAAAATGATCTGAAATATTAAAA[T>C]CTTACCCAGTTATCTCTCTTTCTAATTCAACATTTTTCTTCATTTCTTGATCCAAATTAC-3'

ClinVar aggregate classification (germline): Uncertain significance (1 of 4 stars; one submission).

Allele frequency attached by ClinVar (database versions not stated): gnomAD exomes below 0.00001.
gnomAD v4.1: 1 of 1,398,446 alleles (0.000072%); highest among the groups gnomAD compares: Admixed American, 0.0017%; no homozygotes.

Submission:

Labcorp Genetics (formerly Invitae), Labcorp
Classification: Uncertain significance. Last evaluated: 2024-08-05. Review status: criteria provided, single submitter. Criteria: Invitae Variant Classification Sherloc (09022015). Collection method: clinical testing. Allele origin: germline.
Comment: This sequence change falls in intron 28 of the ANKRD26 gene. It does not directly change the encoded amino acid sequence of the ANKRD26 protein. It affects a nucleotide within the consensus splice site. This variant is present in population databases (no rsID available, gnomAD 0.0009%). This variant has not been reported in the literature in individuals affected with ANKRD26-related conditions. Variants that disrupt the consensus splice site are a relatively common cause of aberrant splicing (PMID: 17576681, 9536098). Algorithms developed to predict the effect of sequence changes on RNA splicing suggest that this variant is not likely to affect RNA splicing. In summary, the available evidence is currently insufficient to determine the role of this variant in disease. Therefore, it has been classified as a Variant of Uncertain Significance.

Literature cited by the submitters: PubMed 17576681; PubMed 9536098.